The following is an entry in ClinVar:

NM_014714.4(IFT140):c.3912C>T (p.His1304=)

Gene: IFT140 (intraflagellar transport 140; minus strand). Cytogenetic location: 16p13.3.
Variant type: single nucleotide variant.
Coding change: c.3912C>T on transcript NM_014714.4 (MANE Select); coding-DNA position 3912, C replaced by T.
Protein change: p.His1304=; no amino-acid change (histidine 1304 retained).
Molecular consequence: synonymous variant.
Genome position (GRCh38, 1-based): chr16:1,520,009, G>A on the plus strand (C>T on the coding strand, the complement: IFT140 is on the minus strand). VCF-style: chr16-1520009-G-A. GRCh37 (hg19) VCF-style: chr16-1570010-G-A.
Other names: c.3912C>T (NM_014714.3).
Identifiers: ClinVar variation 1078076 (VCV001078076.8), dbSNP rs143385994, ClinGen allele CA7812981.
Genomic context (GRCh38, chr16:1,520,009, plus strand): 5'-GTCCAGGGGGCTCTTGGCCTTGGCCTTGGCCAGGCACTTGTAGGCCTCGGTCAGCGCCCC[G>A]TGGGCTTTGTCGTAGTTCTGGTATTCATCAATCTCCACCTGTACAGATGAAACCCGTCAA-3'
Protein context (NP_055529.2, residues 1294-1314): IDEYQNYDKA[His1304=]GALTEAYKCL

ClinVar aggregate classification (germline): Likely benign. Review status: criteria provided, multiple submitters, no conflicts (2 of 4 stars). 2 submissions from 2 submitters: Likely benign (2). Last evaluated 2025-07-31.

Conditions:
IFT140-related disorder. Also called: IFT140-related condition.
Saldino-Mainzer syndrome (SRTD9). Also called: short-rib thoracic dysplasia 9 with or without polydactyly; CONORENAL SYNDROME; Renal dysplasia, retinal pigmentary dystrophy, cerebellar ataxia and skeletal dysplasia; SHORT-RIB THORACIC DYSPLASIA 9 WITHOUT POLYDACTYLY. Identifiers: Orphanet 140969, MedGen C1849437, MONDO:0009964, OMIM 266920.

Allele frequency attached by ClinVar (database versions not stated): gnomAD 0.00001; gnomAD exomes 0.00002 and 0.00003; TOPMed 0.00002; ExAC 0.00003; ESP Exome Variant Server 0.00008.
gnomAD v4.1: 29 of 1,602,038 alleles (0.0018%); highest among the groups gnomAD compares: South Asian, 0.0022%; no homozygotes.

Submissions (2):

PreventionGenetics, part of Exact Sciences
Classification: Likely benign for IFT140-related condition. Last evaluated: 2025-07-31. Review status: criteria provided, single submitter. Criteria: ACMG Guidelines, 2015. Collection method: clinical testing. Allele origin: germline.
Comment: This variant is classified as likely benign based on ACMG/AMP sequence variant interpretation guidelines (Richards et al. 2015 PMID: 25741868, with internal and published modifications).

Labcorp Genetics (formerly Invitae), Labcorp
Classification: Likely benign for Saldino-Mainzer syndrome. Last evaluated: 2024-10-23. Review status: criteria provided, single submitter. Criteria: Invitae Variant Classification Sherloc (09022015). Collection method: clinical testing. Allele origin: germline.